The following is an entry in ClinVar:

ClinVar aggregate classification (germline): Uncertain significance (1 of 4 stars; one submission).

Allele frequency attached by ClinVar (database versions not stated): gnomAD exomes below 0.00001 and 0.00001; ExAC 0.00002.
gnomAD v4.1: 3 of 1,614,188 alleles (0.00019%); highest among the groups gnomAD compares: Non-Finnish European, 0.00017%; no homozygotes.

Submission:

Labcorp Genetics (formerly Invitae), Labcorp
Classification: Uncertain significance. Last evaluated: 2024-12-09. Review status: criteria provided, single submitter. Criteria: Invitae Variant Classification Sherloc (09022015). Collection method: clinical testing. Allele origin: germline.
Comment: This sequence change replaces proline, which is neutral and non-polar, with leucine, which is neutral and non-polar, at codon 529 of the MTOR protein (p.Pro529Leu). This variant is present in population databases (rs775796479, gnomAD 0.002%). This variant has not been reported in the literature in individuals affected with MTOR-related conditions. ClinVar contains an entry for this variant (Variation ID: 1495957). Invitae Evidence Modeling of protein sequence and biophysical properties (such as structural, functional, and spatial information, amino acid conservation, physicochemical variation, residue mobility, and thermodynamic stability) indicates that this missense variant is not expected to disrupt MTOR protein function with a negative predictive value of 95%. In summary, the available evidence is currently insufficient to determine the role of this variant in disease. Therefore, it has been classified as a Variant of Uncertain Significance.

NM_004958.4(MTOR):c.1586C>T (p.Pro529Leu)

Gene: MTOR (mechanistic target of rapamycin kinase; minus strand). Cytogenetic location: 1p36.22.
Variant type: single nucleotide variant.
Coding change: c.1586C>T on transcript NM_004958.4 (MANE Select); coding-DNA position 1586, C replaced by T.
Protein change: p.Pro529Leu; replaces proline 529 with leucine.
Molecular consequence: missense variant.
Genome position (GRCh38, 1-based): chr1:11,240,503, G>A on the plus strand (C>T on the coding strand, the complement: MTOR is on the minus strand). VCF-style: chr1-11240503-G-A. GRCh37 (hg19) VCF-style: chr1-11300560-G-A.
Other names: c.1586C>T, p.Pro529Leu (NM_001386500.1); c.338C>T, p.Pro113Leu (NM_001386501.1); short protein forms P113L, P529L.
Identifiers: ClinVar variation 1495957 (VCV001495957.8), dbSNP rs775796479, ClinGen allele CA590675.